The following is an entry in ClinVar:

NM_030773.4(TUBB1):c.745G>C (p.Asp249His)

Gene: TUBB1 (tubulin beta 1 class VI; plus strand). Cytogenetic location: 20q13.32.
Variant type: single nucleotide variant.
Coding change: c.745G>C on transcript NM_030773.4 (MANE Select); coding-DNA position 745, G replaced by C.
Protein change: p.Asp249His; replaces aspartic acid 249 with histidine.
Molecular consequence: missense variant.
Genome position (GRCh38, 1-based): chr20:59,024,172, G>C. VCF-style: chr20-59024172-G-C. GRCh37 (hg19) VCF-style: chr20-57599227-G-C.
Other names: short protein forms D249H.
Identifiers: ClinVar variation 1684382 (VCV001684382.29), dbSNP rs2091981798, ClinGen allele CA409467572.

ClinVar aggregate classification (germline): Conflicting classifications of pathogenicity. Review status: criteria provided, conflicting classifications (1 of 4 stars). 3 submissions from 3 submitters: Likely pathogenic (1); Uncertain significance (1). 1 of the submissions does not count toward it. Last evaluated 2023-05-11.

Conditions:
Macrothrombocytopenia, isolated, 1, autosomal dominant (MACTHC1). Also called: Autosomal dominant macrothrombocytopenia TUBB1-related. Identifiers: Orphanet 140957, MedGen C5676892, MONDO:0800047, OMIM 613112.
TUBB1-related disorder. Also called: TUBB1-related condition.

Submissions (3):

PreventionGenetics, part of Exact Sciences
Classification: Uncertain significance for TUBB1-related condition. Last evaluated: 2023-05-11. Review status: criteria provided, single submitter. Criteria: ACMG Guidelines, 2015. Collection method: clinical testing. Allele origin: germline.
Comment: The TUBB1 c.745G>C variant is predicted to result in the amino acid substitution p.Asp249His. To our knowledge, this variant has not been reported in the literature or in a large population database, indicating this variant is rare. Of note, a different variant impacting the same amino acid (p.Asp249Asn) has been documented in a patient with an abnormal platelet count (Supplementary Table 3 in Downes et al. 2019. PubMed ID: 31064749). At this time, the clinical significance of this variant is uncertain due to the absence of conclusive functional and genetic evidence.

CeGaT Center for Human Genetics Tuebingen
Classification: Likely pathogenic. Last evaluated: 2023-03-01. Review status: criteria provided, single submitter. Criteria: CeGaT Center For Human Genetics Tuebingen Variant Classification Criteria Version 2. Collection method: clinical testing. Allele origin: germline. Affected: yes. Observed: 1 variant allele.
Comment: TUBB1: PM1, PM2, PP3, PP4

ISTH-SSC Genomics in Thrombosis and Hemostasis, KU Leuven, Center for Molecular and Vascular Biology
Classification: Uncertain significance for Macrothrombocytopenia, isolated, 1, autosomal dominant. Review status: no assertion criteria provided. Collection method: research. Allele origin: unknown. Affected: yes. Not counted in ClinVar's aggregate classification.
Comment: Submitted to GoldVariant by Dr Marie-Christine Morel-Kopp from Northern Blood Research Centre, Sydney, Australia